The following is an entry in ClinVar:

ClinVar aggregate classification (germline): Uncertain significance (1 of 4 stars; one submission).

Submission:

Labcorp Genetics (formerly Invitae), Labcorp
Classification: Uncertain significance. Last evaluated: 2022-03-29. Review status: criteria provided, single submitter. Criteria: Invitae Variant Classification Sherloc (09022015). Collection method: clinical testing. Allele origin: germline.
Comment: This variant has not been reported in the literature in individuals affected with FBXL4-related conditions. This variant is not present in population databases (gnomAD no frequency). This sequence change replaces lysine, which is basic and polar, with glutamic acid, which is acidic and polar, at codon 616 of the FBXL4 protein (p.Lys616Glu). Advanced modeling of protein sequence and biophysical properties (such as structural, functional, and spatial information, amino acid conservation, physicochemical variation, residue mobility, and thermodynamic stability) performed at Invitae indicates that this missense variant is expected to disrupt FBXL4 protein function. In summary, the available evidence is currently insufficient to determine the role of this variant in disease. Therefore, it has been classified as a Variant of Uncertain Significance.

NM_001278716.2(FBXL4):c.1846A>G (p.Lys616Glu)

Gene: FBXL4 (F-box and leucine rich repeat protein 4; minus strand). Cytogenetic location: 6q16.1.
Variant type: single nucleotide variant.
Coding change: c.1846A>G on transcript NM_001278716.2 (MANE Select); coding-DNA position 1846, A replaced by G.
Protein change: p.Lys616Glu; replaces lysine 616 with glutamic acid.
Molecular consequence: missense variant. On other transcripts: non-coding transcript variant (1).
Genome position (GRCh38, 1-based): chr6:98,874,298, T>C on the plus strand (A>G on the coding strand, the complement: FBXL4 is on the minus strand). VCF-style: chr6-98874298-T-C. GRCh37 (hg19) VCF-style: chr6-99322174-T-C.
Other names: c.1846A>G, p.Lys616Glu (NM_012160.5); short protein forms K616E.
Identifiers: ClinVar variation 2119332 (VCV002119332.4), dbSNP rs2128374788, ClinGen allele CA365084586.